The following is an entry in ClinVar:

ClinVar aggregate classification (germline): Uncertain significance (1 of 4 stars; one submission).

Submission:

GeneDx
Classification: Uncertain significance. Last evaluated: 2019-01-15. Review status: criteria provided, single submitter. Criteria: GeneDx Variant Classification (06012015). Collection method: clinical testing. Allele origin: germline. Affected: yes.
Comment: The c.710_712delGAG variant has not been published as a pathogenic variant, nor has it been reported as a benign variant to our knowledge. This variant is not observed in large population cohorts (Lek et al., 2016). The c.710_712delGAG variant results in an in-frame deletion of a single Glutamic acid residue, denoted p.Gly237del. However, other in-frame deletions have not been reported in the Human Gene Mutation Database (Stenson et al., 2014).

NM_002427.4(MMP13):c.710_712del (p.Gly237del)

Gene: MMP13 (matrix metallopeptidase 13; minus strand). Cytogenetic location: 11q22.2.
Variant type: Deletion.
Coding change: c.710_712del on transcript NM_002427.4 (MANE Select); coding-DNA positions 710 to 712, 3 bases deleted (GAG; older notation c.710_712delGAG).
Protein change: p.Gly237del; deletes glycine 237.
Molecular consequence: inframe deletion.
Genome position (GRCh38, 1-based): chr11:102,952,099-102,952,101, CTC deleted on the plus strand (GAG on the coding strand, the reverse complement: MMP13 is on the minus strand); deleting any 3 consecutive bases within chr11:102,952,099-102,952,102 gives the same sequence; the c. name uses the placement nearest the transcript's 3' end. VCF-style (leftmost placement, unchanged base first): chr11-102952098-GCTC-G. GRCh37 (hg19) VCF-style: chr11-102822827-GCTC-G.
Other names: short protein forms G237del.
Identifiers: ClinVar variation 504132 (VCV000504132.2), dbSNP rs1555017404, ClinGen allele CA658797721.